The following is an entry in ClinVar:

NM_004304.5(ALK):c.1626del (p.Ile543fs)

Gene: ALK (ALK receptor tyrosine kinase; minus strand). Cytogenetic location: 2p23.2.
Variant type: Deletion.
Coding change: c.1626del on transcript NM_004304.5 (MANE Select); coding-DNA position 1626, one base deleted (G; older notation c.1626delG).
Protein change: p.Ile543fs; shifts the reading frame from isoleucine 543.
Molecular consequence: frameshift variant.
Genome position (GRCh38, 1-based): chr2:29,318,325, C deleted on the plus strand (G on the coding strand, the reverse complement: ALK is on the minus strand). VCF-style (leftmost placement, unchanged base first): chr2-29318324-TC-T. GRCh37 (hg19) VCF-style: chr2-29541190-TC-T.
Other names: c.1626delG (NM_004304.4); short protein forms I543fs.
Identifiers: ClinVar variation 2818012 (VCV002818012.4), dbSNP rs2465426745, ClinGen allele CA2739274283.

ClinVar aggregate classification (germline): Conflicting classifications of pathogenicity. Review status: criteria provided, conflicting classifications (1 of 4 stars). 2 submissions from 2 submitters: Uncertain significance (1); Likely benign (1). Last evaluated 2025-09-24.

Conditions:
Hereditary cancer-predisposing syndrome. Also called: Neoplastic Syndromes, Hereditary; Hereditary Cancer Syndrome; Hereditary neoplastic syndrome; Tumor predisposition. Identifiers: Orphanet 140162, MedGen C0027672, MeSH D009386, MONDO:0015356.
Neuroblastoma, susceptibility to, 3. Also called: ALK-Related Neuroblastic Tumor Susceptibility. Identifiers: Orphanet 635, MedGen C2751681, MONDO:0013083, OMIM 613014.

Submissions (2):

Ambry Genetics
Classification: Likely benign for Hereditary cancer-predisposing syndrome. Last evaluated: 2025-09-24. Review status: criteria provided, single submitter. Criteria: Ambry Variant Classification Scheme 2023. Collection method: clinical testing. Allele origin: germline.

Labcorp Genetics (formerly Invitae), Labcorp
Classification: Uncertain significance for Neuroblastoma, susceptibility to, 3. Last evaluated: 2024-11-16. Review status: criteria provided, single submitter. Criteria: Invitae Variant Classification Sherloc (09022015). Collection method: clinical testing. Allele origin: germline.
Comment: This sequence change creates a premature translational stop signal (p.Ile543Serfs*18) in the ALK gene. It is expected to result in an absent or disrupted protein product. However, the current clinical and genetic evidence is not sufficient to establish whether loss-of-function variants in ALK cause disease. This variant is not present in population databases (gnomAD no frequency). This variant has not been reported in the literature in individuals affected with ALK-related conditions. ClinVar contains an entry for this variant (Variation ID: 2818012). In summary, the available evidence is currently insufficient to determine the role of this variant in disease. Therefore, it has been classified as a Variant of Uncertain Significance.